The following is an entry in ClinVar:

NC_000022.11:g.40346060T>C

Gene: ADSL (adenylosuccinate lyase; plus strand). Cytogenetic location: 22q13.1.
Variant type: single nucleotide variant.
Genome position: GRCh38 VCF-style: chr22-40346060-T-C. GRCh37 (hg19) VCF-style: chr22-40742064-T-C.
Identifiers: ClinVar variation 1047856 (VCV001047856.5), dbSNP rs998527385, ClinGen allele CA324446543.

ClinVar aggregate classification (germline): Uncertain significance (1 of 4 stars; one submission).

Conditions:
Adenylosuccinate lyase deficiency (ADSLD). Also called: ADSL DEFICIENCY. Identifiers: Orphanet 46, MedGen C0268126, MONDO:0007068, OMIM 103050.

Allele frequency attached by ClinVar (database versions not stated): gnomAD 0.00002; TOPMed 0.00012.

Submission:

Labcorp Genetics (formerly Invitae), Labcorp
Classification: Uncertain significance for Adenylosuccinate lyase deficiency. Last evaluated: 2026-02-02. Review status: criteria provided, single submitter. Criteria: Invitae Variant Classification Sherloc (09022015). Collection method: clinical testing. Allele origin: germline.
Comment: This variant occurs in a non-coding region of the ADSL gene. It does not change the encoded amino acid sequence of the ADSL protein. This variant is present in population databases (no rsID available, gnomAD 0.2%). This variant has not been reported in the literature in individuals affected with ADSL-related conditions. ClinVar contains an entry for this variant (Variation ID: 1047856). Experimental studies and prediction algorithms are not available or were not evaluated, and the functional significance of this variant is currently unknown. In summary, the available evidence is currently insufficient to determine the role of this variant in disease. Therefore, it has been classified as a Variant of Uncertain Significance.